The following is an entry in ClinVar:

NM_004006.3(DMD):c.8492A>G (p.Gln2831Arg)

Gene: DMD (dystrophin; minus strand). Cytogenetic location: Xp21.2.
Variant type: single nucleotide variant.
Coding change: c.8492A>G on transcript NM_004006.3 (MANE Select); coding-DNA position 8492, A replaced by G.
Protein change: p.Gln2831Arg; replaces glutamine 2831 with arginine.
Molecular consequence: missense variant.
Genome position (GRCh38, 1-based): chrX:31,496,843, T>C on the plus strand (A>G on the coding strand, the complement: DMD is on the minus strand). VCF-style: chrX-31496843-T-C. GRCh37 (hg19) VCF-style: chrX-31514960-T-C.
Other names: c.8468A>G, p.Gln2823Arg (NM_000109.4); c.8480A>G, p.Gln2827Arg (NM_004009.3); c.8123A>G, p.Gln2708Arg (NM_004010.3); c.4469A>G, p.Gln1490Arg (NM_004011.4); c.4460A>G, p.Gln1487Arg (NM_004012.4); c.1112A>G, p.Gln371Arg (NM_004013.3, NM_004020.4, NM_004021.3 and 2 more transcripts); c.305A>G, p.Gln102Arg (NM_004014.3); short protein forms Q102R, Q1490R, Q2823R, Q1487R, Q2708R, Q2827R, Q2831R, Q371R.
Identifiers: ClinVar variation 4012238 (VCV004012238.3).

ClinVar aggregate classification (germline): Uncertain significance. Review status: criteria provided, multiple submitters, no conflicts (2 of 4 stars). 3 submissions from 3 submitters: Uncertain significance (3). Last evaluated 2026-08-17.

Conditions:
Cardiovascular phenotype. Identifiers: MedGen CN230736.
DMD-related disorder. Also called: DMD-related condition.
Duchenne muscular dystrophy (DMD). Also called: Duchenne Muscular Dystrophy (DMD); MUSCULAR DYSTROPHY, PSEUDOHYPERTROPHIC PROGRESSIVE, DUCHENNE TYPE. Identifiers: Orphanet 98896, MedGen C0013264, MONDO:0010679, OMIM 310200.

gnomAD v4.1: 1 of 1,210,795 alleles (0.000083%); highest among the groups gnomAD compares: Non-Finnish European, 0.00011%; no homozygotes.

Submissions (3):

PreventionGenetics, part of Exact Sciences
Classification: Uncertain significance for DMD-related condition. Last evaluated: 2026-08-17. Review status: criteria provided, single submitter. Criteria: ACMG Guidelines, 2015. Collection method: clinical testing. Allele origin: germline.
Comment: The DMD c.8492A>G variant is predicted to result in the amino acid substitution p.Gln2831Arg. To our knowledge, this variant has not been reported in the literature or in a large population database (gnomAD), indicating this variant is rare. At this time, the clinical significance of this variant is uncertain due to the absence of conclusive functional and genetic evidence.

Labcorp Genetics (formerly Invitae), Labcorp
Classification: Uncertain significance for Duchenne muscular dystrophy. Last evaluated: 2026-02-01. Review status: criteria provided, single submitter. Criteria: Invitae Variant Classification Sherloc (09022015). Collection method: clinical testing. Allele origin: germline.
Comment: This sequence change replaces glutamine, which is neutral and polar, with arginine, which is basic and polar, at codon 2831 of the DMD protein (p.Gln2831Arg). This variant is not present in population databases (gnomAD no frequency). This variant has not been reported in the literature in individuals affected with DMD-related conditions. ClinVar contains an entry for this variant (Variation ID: 4012238). Invitae Evidence Modeling of protein sequence and biophysical properties (such as structural, functional, and spatial information, amino acid conservation, physicochemical variation, residue mobility, and thermodynamic stability) indicates that this missense variant is not expected to disrupt DMD protein function with a negative predictive value of 95%. In summary, the available evidence is currently insufficient to determine the role of this variant in disease. Therefore, it has been classified as a Variant of Uncertain Significance.

Ambry Genetics
Classification: Uncertain significance for Cardiovascular phenotype. Last evaluated: 2025-04-11. Review status: criteria provided, single submitter. Criteria: Ambry Variant Classification Scheme 2023. Collection method: clinical testing. Allele origin: germline.
Comment: The p.Q2831R variant (also known as c.8492A>G), located in coding exon 57 of the DMD gene, results from an A to G substitution at nucleotide position 8492. The glutamine at codon 2831 is replaced by arginine, an amino acid with highly similar properties. This amino acid position is highly conserved in available vertebrate species. In addition, this alteration is predicted to be deleterious by in silico analysis. Based on the available evidence, the clinical significance of this variant remains unclear.